The following is an entry in ClinVar:

NM_005430.4(WNT1):c.859C>T (p.His287Tyr)

Gene: WNT1 (Wnt family member 1; plus strand). Cytogenetic location: 12q13.12.
Variant type: single nucleotide variant.
Coding change: c.859C>T on transcript NM_005430.4 (MANE Select); coding-DNA position 859, C replaced by T.
Protein change: p.His287Tyr; replaces histidine 287 with tyrosine.
Molecular consequence: missense variant.
Genome position (GRCh38, 1-based): chr12:48,981,386, C>T. VCF-style: chr12-48981386-C-T. GRCh37 (hg19) VCF-style: chr12-49375169-C-T.
Other names: short protein forms H287Y.
Identifiers: ClinVar variation 1432345 (VCV001432345.8), dbSNP rs562579083, ClinGen allele CA6544489.

ClinVar aggregate classification (germline): Uncertain significance (1 of 4 stars; one submission).

Allele frequency attached by ClinVar (database versions not stated): 1000 Genomes Project 30x 0.00016; 1000 Genomes Project 0.00020.
gnomAD v4.1: 20 of 1,578,094 alleles (0.0013%); highest among the groups gnomAD compares: Admixed American, 0.022%; no homozygotes.

Submission:

Labcorp Genetics (formerly Invitae), Labcorp
Classification: Uncertain significance. Last evaluated: 2025-09-04. Review status: criteria provided, single submitter. Criteria: Invitae Variant Classification Sherloc (09022015). Collection method: clinical testing. Allele origin: germline.
Comment: This sequence change replaces histidine, which is basic and polar, with tyrosine, which is neutral and polar, at codon 287 of the WNT1 protein (p.His287Tyr). This variant is present in population databases (rs562579083, gnomAD 0.004%). This variant has not been reported in the literature in individuals affected with WNT1-related conditions. ClinVar contains an entry for this variant (Variation ID: 1432345). Invitae Evidence Modeling of protein sequence and biophysical properties (such as structural, functional, and spatial information, amino acid conservation, physicochemical variation, residue mobility, and thermodynamic stability) indicates that this missense variant is not expected to disrupt WNT1 protein function with a negative predictive value of 80%. In summary, the available evidence is currently insufficient to determine the role of this variant in disease. Therefore, it has been classified as a Variant of Uncertain Significance.